The following is an entry in ClinVar:

ClinVar aggregate classification (germline): Likely benign. Review status: criteria provided, multiple submitters, no conflicts (2 of 4 stars). 2 submissions from 2 submitters: Likely benign (2). Last evaluated 2025-09-01.

Conditions:
Cardiovascular phenotype. Identifiers: MedGen CN230736.

Submissions (2):

CeGaT Center for Human Genetics Tuebingen
Classification: Likely benign. Last evaluated: 2025-09-01. Review status: criteria provided, single submitter. Criteria: CeGaT Center For Human Genetics Tuebingen Variant Classification Criteria Version 2. Collection method: clinical testing. Allele origin: germline. Affected: yes. Observed: 1 variant allele.
Comment: BRAF: PM2:Supporting, BP4, BP7

Ambry Genetics
Classification: Likely benign for Cardiovascular phenotype. Last evaluated: 2022-06-22. Review status: criteria provided, single submitter. Criteria: Ambry Variant Classification Scheme 2023. Collection method: clinical testing. Allele origin: germline.

NM_004333.6(BRAF):c.87C>A (p.Ala29=)

Gene: BRAF (B-Raf proto-oncogene, serine/threonine kinase; minus strand). Cytogenetic location: 7q34.
Variant type: single nucleotide variant.
Coding change: c.87C>A on transcript NM_004333.6 (MANE Select); coding-DNA position 87, C replaced by A.
Protein change: p.Ala29=; no amino-acid change (alanine 29 retained).
Molecular consequence: synonymous variant.
Genome position (GRCh38, 1-based): chr7:140,924,617, G>T on the plus strand (C>A on the coding strand, the complement: BRAF is on the minus strand). VCF-style: chr7-140924617-G-T. GRCh37 (hg19) VCF-style: chr7-140624417-G-T.
Other names: c.87C>A, p.Ala29= (NM_001354609.2, NM_001374244.1, NM_001374258.1 and 7 more transcripts).
Identifiers: ClinVar variation 1764708 (VCV001764708.9), dbSNP rs1344877993, ClinGen allele CA458124853.